The following is an entry in ClinVar:

NM_033022.4(RPS24):c.20T>G (p.Ile7Ser)

Gene: RPS24 (ribosomal protein S24; plus strand). Cytogenetic location: 10q22.3.
Variant type: single nucleotide variant.
Coding change: c.20T>G on transcript NM_033022.4 (MANE Select); coding-DNA position 20, T replaced by G.
Protein change: p.Ile7Ser; replaces isoleucine 7 with serine.
Molecular consequence: missense variant.
Genome position (GRCh38, 1-based): chr10:78,035,368, T>G. VCF-style: chr10-78035368-T-G. GRCh37 (hg19) VCF-style: chr10-79795126-T-G.
Other names: c.20T>G, p.Ile7Ser (NM_001026.5, NM_001142282.2, NM_001142283.2 and 2 more transcripts); short protein forms I7S.
Identifiers: ClinVar variation 451435 (VCV000451435.5), dbSNP rs1554841961, ClinGen allele CA377327609.
Genomic context (GRCh38, chr10:78,035,368, plus strand): 5'-AAAAGTTGGAGTAGTTTTATTAACCAGAGTGTTTATGTTTTCAGAACGACACCGTAACTA[T>G]CCGCACTAGAAAGTTCATGACCAACCGACTACTTCAGAGGAAACAAATGGTAAGGAAGGG-3'
Protein context (NP_148982.1, residues 1-17): MNDTVT[Ile7Ser]RTRKFMTNRL

ClinVar aggregate classification (germline): Uncertain significance. Review status: criteria provided, multiple submitters, no conflicts (2 of 4 stars). 2 submissions from 2 submitters: Uncertain significance (2). Last evaluated 2024-03-24.

Conditions:
Diamond-Blackfan anemia. Also called: Blackfan Diamond syndrome; Aregenerative anemia chronic congenital; Red cell aplasia, pure hereditary; Congenital hypoplastic anemia; Aase syndrome. Identifiers: Orphanet 124, MedGen C1260899, MeSH D029503, MONDO:0015253, HP:0004810.

Submissions (2):

Labcorp Genetics (formerly Invitae), Labcorp
Classification: Uncertain significance for Diamond-Blackfan anemia. Last evaluated: 2024-03-24. Review status: criteria provided, single submitter. Criteria: Invitae Variant Classification Sherloc (09022015). Collection method: clinical testing. Allele origin: germline.
Comment: This sequence change replaces isoleucine, which is neutral and non-polar, with serine, which is neutral and polar, at codon 7 of the RPS24 protein (p.Ile7Ser). This variant is not present in population databases (gnomAD no frequency). This variant has not been reported in the literature in individuals affected with RPS24-related conditions. ClinVar contains an entry for this variant (Variation ID: 451435). An algorithm developed to predict the effect of missense changes on protein structure and function (PolyPhen-2) suggests that this variant is likely to be tolerated. In summary, the available evidence is currently insufficient to determine the role of this variant in disease. Therefore, it has been classified as a Variant of Uncertain Significance.

GeneDx
Classification: Uncertain significance. Last evaluated: 2017-08-11. Review status: criteria provided, single submitter. Criteria: GeneDx Variant Classification (06012015). Collection method: clinical testing. Allele origin: germline. Affected: yes.
Comment: The I7S variant has not been published as a pathogenic variant, nor has it been reported as a benign variant to our knowledge. The variant is not observed in large population cohorts (Lek et al., 2016; 1000 Genomes Consortium et al., 2015; Exome Variant Server). I7S is a non-conservative amino acid substitution, which is likely to impact secondary protein structure as these residues differ in polarity, charge, size and/or other properties. This substitution occurs at a position that is conserved in mammals, and in silico analysis predicts this variant is probably damaging to the protein structure/function. In summary, based on the currently available information, it is unclear whether this variant is a pathogenic variant or a rare benign variant.